The following is an entry in ClinVar:

NM_001184880.2(PCDH19):c.1786G>A (p.Asp596Asn)

Gene: PCDH19 (protocadherin 19; minus strand). Cytogenetic location: Xq22.1.
Variant type: single nucleotide variant.
Coding change: c.1786G>A on transcript NM_001184880.2 (MANE Select); coding-DNA position 1786, G replaced by A.
Protein change: p.Asp596Asn; replaces aspartic acid 596 with asparagine.
Molecular consequence: missense variant.
Genome position (GRCh38, 1-based): chrX:100,406,812, C>T on the plus strand (G>A on the coding strand, the complement: PCDH19 is on the minus strand). VCF-style: chrX-100406812-C-T. GRCh37 (hg19) VCF-style: chrX-99661810-C-T.
Other names: c.1786G>A, p.Asp596Asn (NM_001105243.2, NM_020766.3); short protein forms D596N.
Identifiers: ClinVar variation 837986 (VCV000837986.11), dbSNP rs1928365978, ClinGen allele CA414001977.

ClinVar aggregate classification (germline): Uncertain significance. Review status: criteria provided, multiple submitters, no conflicts (2 of 4 stars). 2 submissions from 2 submitters: Uncertain significance (2). Last evaluated 2020-09-03.

Conditions:
Developmental and epileptic encephalopathy, 9 (DEE9). Also called: EPILEPSY, FEMALE-RESTRICTED, WITH MENTAL RETARDATION; Early infantile epileptic encephalopathy 9; JUBERG-HELLMAN SYNDROME; PCDH19-Related X-Linked Female-Limited Epilepsy with Mental Retardation. Identifiers: Orphanet 101039, Orphanet 2076, MedGen C1848137, MONDO:0010246, OMIM 300088. Disease mechanism: loss of function.
Inborn genetic diseases. Identifiers: MedGen C0950123, MeSH D030342.

Submissions (2):

Ambry Genetics
Classification: Uncertain significance for Inborn genetic diseases. Last evaluated: 2020-09-03. Review status: criteria provided, single submitter. Criteria: Ambry Variant Classification Scheme 2023. Collection method: clinical testing. Allele origin: germline.
Comment: The alteration results in an amino acid change:_x000D_ _x000D_ The c.1786G>A (p.D596N) alteration is located in exon 1 (coding exon 1) of the PCDH19 gene. This alteration results from a G to A substitution at nucleotide position 1786, causing the aspartic acid (D) at amino acid position 596 to be replaced by an asparagine (N). The alteration is not observed in population databases:_x000D_ _x000D_ Based on data from the Genome Aggregation Database (gnomAD), the PCDH19 c.1786G>A alteration was not observed, with coverage at this position. Alterations at the same codon have been observed in affected individuals: _x000D_ _x000D_ Alterations at the same codon have been reported in individuals with features consistent with PCDH19-related early infantile epileptic encephalopathy. These include: c.1786G>C (p.D596H) (Marini, 2012), c.1787A>T (p.D596V) (Higurashi 2013), c.1787A>G (p.D596G), and c.1786G>T (p.D596Y) (Higurashi 2015). The altered amino acid is conserved throughout evolution:_x000D_ _x000D_ The p.D596 amino acid is conserved in available vertebrate species. The alteration is predicted tolerated by in silico modeling:_x000D_ _x000D_ The p.D596N alteration is predicted to be tolerated by in silico analysis. Based on insufficient or conflicting evidence, the clinical significance of this alteration remains unclear.

Labcorp Genetics (formerly Invitae), Labcorp
Classification: Uncertain significance for Developmental and epileptic encephalopathy, 9. Last evaluated: 2019-12-08. Review status: criteria provided, single submitter. Criteria: Invitae Variant Classification Sherloc (09022015). Collection method: clinical testing. Allele origin: germline.
Comment: In summary, the available evidence is currently insufficient to determine the role of this variant in disease. Therefore, it has been classified as a Variant of Uncertain Significance. Algorithms developed to predict the effect of missense changes on protein structure and function are either unavailable or do not agree on the potential impact of this missense change (SIFT: "Deleterious"; PolyPhen-2: "Probably Damaging"; Align-GVGD: "Class C15"). This variant has not been reported in the literature in individuals with PCDH19-related conditions. This variant is not present in population databases (ExAC no frequency). This sequence change replaces aspartic acid with asparagine at codon 596 of the PCDH19 protein (p.Asp596Asn). The aspartic acid residue is highly conserved and there is a small physicochemical difference between aspartic acid and asparagine.

Literature cited by the submitters: PubMed 22946748 (cited by Ambry Genetics); PubMed 23712037 (cited by Ambry Genetics); PubMed 25891919 (cited by Ambry Genetics).